The following is an entry in ClinVar:

ClinVar aggregate classification (germline): Likely pathogenic (1 of 4 stars; one submission).

gnomAD v4.1: 2 of 1,613,782 alleles (0.00012%); highest among the groups gnomAD compares: Non-Finnish European, 0.000085%; no homozygotes.

Submission:

Labcorp Genetics (formerly Invitae), Labcorp
Classification: Likely pathogenic. Last evaluated: 2025-06-15. Review status: criteria provided, single submitter. Criteria: Invitae Variant Classification Sherloc (09022015). Collection method: clinical testing. Allele origin: germline.
Comment: This sequence change affects a donor splice site in intron 6 of the SPART gene. It is expected to disrupt RNA splicing. Variants that disrupt the donor or acceptor splice site typically lead to a loss of protein function (PMID: 16199547), and loss-of-function variants in SPART are known to be pathogenic (PMID: 18413476, 20437587, 20504295). This variant is not present in population databases (gnomAD no frequency). This variant has not been reported in the literature in individuals affected with SPART-related conditions. Algorithms developed to predict the effect of sequence changes on RNA splicing suggest that this variant may disrupt the consensus splice site. In summary, the currently available evidence indicates that the variant is pathogenic, but additional data are needed to prove that conclusively. Therefore, this variant has been classified as Likely Pathogenic.

Literature cited by the submitters: PubMed 16199547; PubMed 18413476; PubMed 20437587; PubMed 20504295.

NM_015087.5(SPART):c.1483+1G>A

Gene: SPART (spartin; minus strand). Cytogenetic location: 13q13.3.
Variant type: single nucleotide variant.
Coding change: c.1483+1G>A on transcript NM_015087.5 (MANE Select); the canonical splice donor site of the intron after coding-DNA position 1483, G replaced by A.
Molecular consequence: splice donor variant.
Genome position (GRCh38, 1-based): chr13:36,314,226, C>T on the plus strand (G>A on the coding strand, the complement: SPART is on the minus strand). VCF-style: chr13-36314226-C-T. GRCh37 (hg19) VCF-style: chr13-36888363-C-T.
Other names: c.1483+1G>A (NM_001142294.2, NM_001142295.2, NM_001142296.2).
Identifiers: ClinVar variation 4738543 (VCV004738543.1).